The following is an entry in ClinVar:

NM_001371986.1(UNC80):c.5312G>A (p.Ser1771Asn)

Genes: UNC80 (unc-80 subunit of NALCN channel complex; plus strand), LOC126806490 (P300/CBP strongly-dependent group 1 enhancer GRCh37_chr2:210782411-210783610; plus strand). Cytogenetic location: 2q34.
Variant type: single nucleotide variant.
Coding change: c.5312G>A on transcript NM_001371986.1 (MANE Select); coding-DNA position 5312, G replaced by A.
Protein change: p.Ser1771Asn; replaces serine 1771 with asparagine.
Molecular consequence: missense variant.
Genome position (GRCh38, 1-based): chr2:209,918,632, G>A. VCF-style: chr2-209918632-G-A. GRCh37 (hg19) VCF-style: chr2-210783356-G-A.
Other names: c.5114G>A, p.Ser1705Asn (NM_032504.2); c.5099G>A, p.Ser1700Asn (NM_182587.4); short protein forms S1705N, S1700N, S1771N.
Identifiers: ClinVar variation 1482986 (VCV001482986.6), dbSNP rs972289453, ClinGen allele CA65040255.

ClinVar aggregate classification (germline): Uncertain significance (1 of 4 stars; one submission).

Allele frequency attached by ClinVar (database versions not stated): gnomAD exomes below 0.00001.
gnomAD v4.1: 2 of 1,551,732 alleles (0.00013%); highest among the groups gnomAD compares: Non-Finnish European, 0.00017%; no homozygotes.

Submission:

Labcorp Genetics (formerly Invitae), Labcorp
Classification: Uncertain significance. Last evaluated: 2021-08-07. Review status: criteria provided, single submitter. Criteria: Invitae Variant Classification Sherloc (09022015). Collection method: clinical testing. Allele origin: germline.
Comment: Algorithms developed to predict the effect of missense changes on protein structure and function are either unavailable or do not agree on the potential impact of this missense change (SIFT: "Not Available"; PolyPhen-2: "Possibly Damaging"; Align-GVGD: "Not Available"). This variant has not been reported in the literature in individuals affected with UNC80-related conditions. This variant is not present in population databases (ExAC no frequency). This sequence change replaces serine with asparagine at codon 1705 of the UNC80 protein (p.Ser1705Asn). The serine residue is weakly conserved and there is a small physicochemical difference between serine and asparagine. In summary, the available evidence is currently insufficient to determine the role of this variant in disease. Therefore, it has been classified as a Variant of Uncertain Significance.